The following is an entry in ClinVar:

ClinVar aggregate classification (germline): Pathogenic (1 of 4 stars; one submission).

Conditions:
Methylmalonic aciduria, cblA type (MACA). Also called: Vitamin B12-responsive methylmalonic acidemia type cblA; Methylmalonic aciduria, vitamin b12-responsive, due to defect in synthesis of adenosylcobalamin, cbla complementation type; MMA cbl A type; Methylmalonic acidemia cblA type; Methylmalonic aciduria, vitamin B12-responsive. Identifiers: Orphanet 28, Orphanet 79310, MedGen C1855109, MONDO:0009613, OMIM 251100.

Submission:

Labcorp Genetics (formerly Invitae), Labcorp
Classification: Pathogenic for Methylmalonic aciduria, cblA type. Last evaluated: 2022-06-08. Review status: criteria provided, single submitter. Criteria: Invitae Variant Classification Sherloc (09022015). Collection method: clinical testing. Allele origin: germline.
Comment: This variant disrupts a region of the MMAA protein in which other variant(s) (p.Arg359*) have been determined to be pathogenic (PMID: 23026888; Invitae). This suggests that this is a clinically significant region of the protein, and that variants that disrupt it are likely to be disease-causing. This variant has not been reported in the literature in individuals affected with MMAA-related conditions. This variant is not present in population databases (gnomAD no frequency). This sequence change creates a premature translational stop signal (p.Arg314Alafs*11) in the MMAA gene. While this is not anticipated to result in nonsense mediated decay, it is expected to disrupt the last 105 amino acid(s) of the MMAA protein. For these reasons, this variant has been classified as Pathogenic.

Literature cited by the submitters: PubMed 23026888.

NM_172250.3(MMAA):c.940del (p.Arg314fs)

Gene: MMAA (metabolism of cobalamin associated A; plus strand). Cytogenetic location: 4q31.21.
Variant type: Deletion.
Coding change: c.940del on transcript NM_172250.3 (MANE Select); coding-DNA position 940, one base deleted (C; older notation c.940delC).
Protein change: p.Arg314fs; shifts the reading frame from arginine 314.
Molecular consequence: frameshift variant.
Genome position (GRCh38, 1-based): chr4:145,654,114, C deleted; the last of 2 consecutive C bases (chr4:145,654,113-145,654,114); deleting either gives the same sequence. VCF-style (leftmost placement, unchanged base first): chr4-145654112-TC-T. GRCh37 (hg19) VCF-style: chr4-146575264-TC-T.
Other names: c.940del, p.Arg314fs (NM_001375644.1); short protein forms R314fs.
Identifiers: ClinVar variation 2003201 (VCV002003201.4), dbSNP rs2546344970, ClinGen allele CA2580071569.